The following is an entry in ClinVar:

ClinVar aggregate classification (germline): Uncertain significance (1 of 4 stars; one submission).

Conditions:
MOGS-congenital disorder of glycosylation. Also called: MOGS-CDG; GLUCOSIDASE I DEFICIENCY; CDG 2B; CDG IIb. Identifiers: Orphanet 79330, MedGen C1853736, MONDO:0011629, OMIM 606056.

Allele frequency attached by ClinVar (database versions not stated): TOPMed below 0.00001; gnomAD exomes 0.00004 and 0.00001; ExAC 0.00005; gnomAD 0.00001.

Submission:

Labcorp Genetics (formerly Invitae), Labcorp
Classification: Uncertain significance for MOGS-congenital disorder of glycosylation. Last evaluated: 2021-08-27. Review status: criteria provided, single submitter. Criteria: Invitae Variant Classification Sherloc (09022015). Collection method: clinical testing. Allele origin: germline.
Comment: This sequence change replaces glycine with glutamic acid at codon 129 of the MOGS protein (p.Gly129Glu). The glycine residue is moderately conserved and there is a moderate physicochemical difference between glycine and glutamic acid. This variant is present in population databases (rs749846238, ExAC 0.07%). This variant has not been reported in the literature in individuals affected with MOGS-related conditions. Algorithms developed to predict the effect of missense changes on protein structure and function are either unavailable or do not agree on the potential impact of this missense change (SIFT: "Tolerated"; PolyPhen-2: "Possibly Damaging"; Align-GVGD: "Class C0"). In summary, the available evidence is currently insufficient to determine the role of this variant in disease. Therefore, it has been classified as a Variant of Uncertain Significance.

NM_006302.3(MOGS):c.386G>A (p.Gly129Glu)

Gene: MOGS (mannosyl-oligosaccharide glucosidase; minus strand). Cytogenetic location: 2p13.1.
Variant type: single nucleotide variant.
Coding change: c.386G>A on transcript NM_006302.3 (MANE Select); coding-DNA position 386, G replaced by A.
Protein change: p.Gly129Glu; replaces glycine 129 with glutamic acid.
Molecular consequence: missense variant.
Genome position (GRCh38, 1-based): chr2:74,464,689, C>T on the plus strand (G>A on the coding strand, the complement: MOGS is on the minus strand). VCF-style: chr2-74464689-C-T. GRCh37 (hg19) VCF-style: chr2-74691816-C-T.
Other names: c.68G>A, p.Gly23Glu (NM_001146158.2); short protein forms G129E, G23E.
Identifiers: ClinVar variation 838930 (VCV000838930.7), dbSNP rs749846238, ClinGen allele CA1725041.